The following is an entry in ClinVar:

NM_004104.5(FASN):c.6031C>T (p.Pro2011Ser)

Gene: FASN (fatty acid synthase; minus strand). Cytogenetic location: 17q25.3.
Variant type: single nucleotide variant.
Coding change: c.6031C>T on transcript NM_004104.5 (MANE Select); coding-DNA position 6031, C replaced by T.
Protein change: p.Pro2011Ser; replaces proline 2011 with serine.
Molecular consequence: missense variant.
Genome position (GRCh38, 1-based): chr17:82,082,141, G>A on the plus strand (C>T on the coding strand, the complement: FASN is on the minus strand). VCF-style: chr17-82082141-G-A. GRCh37 (hg19) VCF-style: chr17-80040017-G-A.
Other names: short protein forms P2011S.
Identifiers: ClinVar variation 4770843 (VCV004770843.1).

ClinVar aggregate classification (germline): Uncertain significance (1 of 4 stars; one submission).

Conditions:
Epileptic encephalopathy. Identifiers: MedGen C0543888, HP:0200134.

gnomAD v4.1: 1 of 1,604,906 alleles (0.000062%); highest among the groups gnomAD compares: African/African-American, 0.0013%; no homozygotes.

Submission:

Labcorp Genetics (formerly Invitae), Labcorp
Classification: Uncertain significance for Epileptic encephalopathy. Last evaluated: 2025-06-15. Review status: criteria provided, single submitter. Criteria: Invitae Variant Classification Sherloc (09022015). Collection method: clinical testing. Allele origin: germline.
Comment: This sequence change replaces proline, which is neutral and non-polar, with serine, which is neutral and polar, at codon 2011 of the FASN protein (p.Pro2011Ser). This variant is not present in population databases (gnomAD no frequency). This variant has not been reported in the literature in individuals affected with FASN-related conditions. An algorithm developed to predict the effect of missense changes on protein structure and function (PolyPhen-2) suggests that this variant is likely to be tolerated. In summary, the available evidence is currently insufficient to determine the role of this variant in disease. Therefore, it has been classified as a Variant of Uncertain Significance.